The following is an entry in ClinVar:

NM_000337.6(SGCD):c.177C>T (p.Val59=)

Gene: SGCD (sarcoglycan delta; plus strand). Cytogenetic location: 5q33.3.
Variant type: single nucleotide variant.
Coding change: c.177C>T on transcript NM_000337.6 (MANE Select); coding-DNA position 177, C replaced by T.
Protein change: p.Val59=; no amino-acid change (valine 59 retained).
Molecular consequence: synonymous variant.
Genome position (GRCh38, 1-based): chr5:156,344,662, C>T. VCF-style: chr5-156344662-C-T. GRCh37 (hg19) VCF-style: chr5-155771672-C-T.
Other names: c.174C>T, p.Val58= (NM_001128209.2); c.177C>T, p.Val59= (NM_172244.3).
Identifiers: ClinVar variation 179987 (VCV000179987.7), dbSNP rs727505265, ClinGen allele CA185583.

ClinVar aggregate classification (germline): Likely benign. Review status: criteria provided, multiple submitters, no conflicts (2 of 4 stars). 4 submissions from 3 submitters: Likely benign (3). 1 of the submissions does not count toward it. Last evaluated 2023-02-08.

Conditions:
Autosomal recessive limb-girdle muscular dystrophy type 2F (LGMDR6). Also called: MUSCULAR DYSTROPHY, LIMB-GIRDLE, AUTOSOMAL RECESSIVE 6; Muscular dystrophy limb-girdle with delta-sarcoglyan deficiency. Identifiers: Orphanet 219, MedGen C1832525, MONDO:0011028, OMIM 601287. Disease mechanism: Affects gamma-sarcoglycan and also disrupts the integrity of the entire sarcoglycan complex..
Dilated cardiomyopathy 1L (CMD1L). Identifiers: Orphanet 154, MedGen C1847667, MONDO:0011702, OMIM 606685.

Submissions (4):

Genome-Nilou Lab
Classification: Likely benign for Autosomal recessive limb-girdle muscular dystrophy type 2F. Last evaluated: 2023-02-08. Review status: criteria provided, single submitter. Criteria: ACMG Guidelines, 2015. Collection method: clinical testing. Allele origin: germline.

Genome-Nilou Lab
Classification: Likely benign for Dilated cardiomyopathy 1L. Last evaluated: 2023-02-08. Review status: criteria provided, single submitter. Criteria: ACMG Guidelines, 2015. Collection method: clinical testing. Allele origin: germline.

Laboratory for Molecular Medicine, Mass General Brigham Personalized Medicine
Classification: Likely benign. Last evaluated: 2014-09-08. Review status: criteria provided, single submitter. Criteria: LMM Criteria. Collection method: clinical testing. Allele origin: germline. Observed: 1 variant allele.
Comment: Val59Val in exon 3 of SGCD: This variant is not expected to have clinical signif icance because it does not alter an amino acid residue and is not located within the splice consensus sequence.

Counsyl
Classification: Likely benign for Dilated cardiomyopathy 1L; Autosomal recessive limb-girdle muscular dystrophy type 2F. Last evaluated: 2018-05-07. Review status: no assertion criteria provided. Collection method: clinical testing. Allele origin: unknown. Not counted in ClinVar's aggregate classification.